The following is an entry in ClinVar:

NM_174936.4(PCSK9):c.996+44del

Gene: PCSK9 (proprotein convertase subtilisin/kexin type 9; plus strand). Cytogenetic location: 1p32.3.
Variant type: Deletion.
Coding change: c.996+44del on transcript NM_174936.4 (MANE Select); 44 bases into the intron after coding-DNA position 996, one base deleted (A; older notation c.996+44delA).
Molecular consequence: intron variant.
Genome position (GRCh38, 1-based): chr1:55,056,233, A deleted. VCF-style (leftmost placement, unchanged base first): chr1-55056232-GA-G. GRCh37 (hg19) VCF-style: chr1-55521905-GA-G.
Other names: c.621+44del (NM_001407246.1); c.1119+44del (NM_001407240.1); c.999+44del (NM_001407242.1); c.996+44del (NM_001407241.1, NM_001407244.1, NM_001407247.1); c.939+44del (NM_001407243.1); c.804+44del (NM_001407245.1).
Identifiers: ClinVar variation 5037857 (VCV005037857.1), dbSNP rs774346961.
Genomic context (GRCh38, chr1:55,056,232, plus strand): 5'-CCAGCCTCAGCTCCCGAGGTAGGTGCTGGGGCTGCTGCCCCAAGGCGCGGGTAGGGGGCG[GA>G]GGGCGGAGGGCGGAGGGAGGGCGGGCGGGCAGGCGGGCTTCTTGTGGCACGTGGGCTTCT-3'

ClinVar aggregate classification (germline): Benign (1 of 4 stars; one submission).

Submission:

Molecular Diagnostic Laboratory for Inherited Cardiovascular Disease, Montreal Heart Institute
Classification: Benign. Last evaluated: 2026-09-21. Review status: criteria provided, single submitter. Criteria: ACMG Guidelines, 2015. Collection method: clinical testing. Allele origin: germline. Affected: no.
Comment: BA1